The following is an entry in ClinVar:

ClinVar aggregate classification (germline): Uncertain significance. Review status: criteria provided, multiple submitters, no conflicts (2 of 4 stars). 2 submissions from 2 submitters: Uncertain significance (2). Last evaluated 2025-05-05.

Conditions:
Chédiak-Higashi syndrome (CHS). Also called: Chediak-Higashi Syndrome. Identifiers: Orphanet 167, MedGen C0007965, MONDO:0008963, OMIM 214500.

gnomAD v4.1: 8 of 1,613,402 alleles (0.0005%); highest among the groups gnomAD compares: Admixed American, 0.0033%; no homozygotes.

Submissions (2):

Mayo Clinic Laboratories, Mayo Clinic
Classification: Uncertain significance. Last evaluated: 2025-05-05. Review status: criteria provided, single submitter. Criteria: ACMG Guidelines, 2015. Collection method: clinical testing. Allele origin: germline. Observed: 2 variant alleles.
Comment: PM2_supporting

Labcorp Genetics (formerly Invitae), Labcorp
Classification: Uncertain significance for Chédiak-Higashi syndrome. Last evaluated: 2022-08-16. Review status: criteria provided, single submitter. Criteria: Invitae Variant Classification Sherloc (09022015). Collection method: clinical testing. Allele origin: germline.
Comment: This sequence change replaces glycine, which is neutral and non-polar, with aspartic acid, which is acidic and polar, at codon 1764 of the LYST protein (p.Gly1764Asp). This variant is not present in population databases (gnomAD no frequency). This variant has not been reported in the literature in individuals affected with LYST-related conditions. ClinVar contains an entry for this variant (Variation ID: 659682). Algorithms developed to predict the effect of missense changes on protein structure and function (SIFT, PolyPhen-2, Align-GVGD) all suggest that this variant is likely to be tolerated. In summary, the available evidence is currently insufficient to determine the role of this variant in disease. Therefore, it has been classified as a Variant of Uncertain Significance.

NM_000081.4(LYST):c.5291G>A (p.Gly1764Asp)

Gene: LYST (lysosomal trafficking regulator; minus strand). Cytogenetic location: 1q42.3.
Variant type: single nucleotide variant.
Coding change: c.5291G>A on transcript NM_000081.4 (MANE Select); coding-DNA position 5291, G replaced by A.
Protein change: p.Gly1764Asp; replaces glycine 1764 with aspartic acid.
Molecular consequence: missense variant.
Genome position (GRCh38, 1-based): chr1:235,777,232, C>T on the plus strand (G>A on the coding strand, the complement: LYST is on the minus strand). VCF-style: chr1-235777232-C-T. GRCh37 (hg19) VCF-style: chr1-235940532-C-T.
Other names: p.Gly1764Asp; c.5291G>A, p.Gly1764Asp (NM_001301365.1); short protein forms G1764D.
Identifiers: ClinVar variation 659682 (VCV000659682.10), dbSNP rs35413645, ClinGen allele CA39622345.